The following is an entry in ClinVar:

NM_025243.4(SLC19A3):c.421G>T (p.Gly141Cys)

Gene: SLC19A3 (solute carrier family 19 member 3; minus strand). Cytogenetic location: 2q36.3.
Variant type: single nucleotide variant.
Coding change: c.421G>T on transcript NM_025243.4 (MANE Select); coding-DNA position 421, G replaced by T.
Protein change: p.Gly141Cys; replaces glycine 141 with cysteine.
Molecular consequence: missense variant.
Genome position (GRCh38, 1-based): chr2:227,699,294, C>A on the plus strand (G>T on the coding strand, the complement: SLC19A3 is on the minus strand). VCF-style: chr2-227699294-C-A. GRCh37 (hg19) VCF-style: chr2-228564010-C-A.
Other names: c.421G>T, p.Gly141Cys (NM_001371411.1, NM_001371412.1); c.409G>T, p.Gly137Cys (NM_001371413.1, NM_001371414.1); short protein forms G137C, G141C.
Identifiers: ClinVar variation 1525565 (VCV001525565.8), dbSNP rs148144444, ClinGen allele CA350877249.

ClinVar aggregate classification (germline): Uncertain significance (1 of 4 stars; one submission).

Conditions:
Biotin-responsive basal ganglia disease (BTBGD). Also called: THIAMINE METABOLISM DYSFUNCTION SYNDROME 2 (BIOTIN- AND THIAMINE-RESPONSIVE TYPE); Thiamine metabolism dysfunction syndrome type 2; Thiamine Transporter-2 Deficiency; Thiamine metabolism dysfunction syndrome 2 (biotin- or thiamine-responsive encephalopathy type 2); thiamine-responsive encephalopathy. Identifiers: Orphanet 199348, Orphanet 65284, MedGen C1843807, MONDO:0011841, OMIM 607483.

gnomAD v4.1: 1 of 1,614,094 alleles (0.000062%); highest among the groups gnomAD compares: Non-Finnish European, 0.000085%; no homozygotes.

Submission:

Labcorp Genetics (formerly Invitae), Labcorp
Classification: Uncertain significance for Biotin-responsive basal ganglia disease. Last evaluated: 2023-08-04. Review status: criteria provided, single submitter. Criteria: Invitae Variant Classification Sherloc (09022015). Collection method: clinical testing. Allele origin: germline.
Comment: Advanced modeling of protein sequence and biophysical properties (such as structural, functional, and spatial information, amino acid conservation, physicochemical variation, residue mobility, and thermodynamic stability) has been performed at Invitae for this missense variant, however the output from this modeling did not meet the statistical confidence thresholds required to predict the impact of this variant on SLC19A3 protein function. This sequence change replaces glycine, which is neutral and non-polar, with cysteine, which is neutral and slightly polar, at codon 141 of the SLC19A3 protein (p.Gly141Cys). This variant is not present in population databases (gnomAD no frequency). This variant has not been reported in the literature in individuals affected with SLC19A3-related conditions. ClinVar contains an entry for this variant (Variation ID: 1525565). In summary, the available evidence is currently insufficient to determine the role of this variant in disease. Therefore, it has been classified as a Variant of Uncertain Significance.